The following is an entry in ClinVar:

NM_001386140.1(MTTP):c.2313T>A (p.Tyr771Ter)

Gene: MTTP (microsomal triglyceride transfer protein; plus strand). Cytogenetic location: 4q23.
Variant type: single nucleotide variant.
Coding change: c.2313T>A on transcript NM_001386140.1 (MANE Select); coding-DNA position 2313, T replaced by A.
Protein change: p.Tyr771Ter; replaces tyrosine 771 with a stop codon.
Molecular consequence: nonsense.
Genome position (GRCh38, 1-based): chr4:99,619,069, T>A. VCF-style: chr4-99619069-T-A. GRCh37 (hg19) VCF-style: chr4-100540226-T-A.
Other names: c.2313T>A, p.Tyr771Ter (NM_000253.4); c.2064T>A, p.Tyr688Ter (NM_001300785.2); short protein forms Y688*, Y771*.
Identifiers: ClinVar variation 5010661 (VCV005010661.1).

ClinVar aggregate classification (germline): Pathogenic (1 of 4 stars; one submission).

Conditions:
Abetalipoproteinaemia (ABL). Also called: MTP DEFICIENCY; Abetalipoproteinemia; Abetalipoproteinemia neuropathy; Apolipoprotein B deficiency; Congenital betalipoprotein deficiency syndrome. Identifiers: Orphanet 14, MedGen C0000744, MONDO:0008692, OMIM 200100, HP:0008181.

Submission:

Myriad Genetics, Inc.
Classification: Pathogenic for Abetalipoproteinaemia. Last evaluated: 2024-05-14. Review status: criteria provided, single submitter. Criteria: Myriad Autosomal Dominant, Autosomal Recessive and X-Linked Classification Criteria (2023). Collection method: clinical testing. Allele origin: unknown.
Comment: NM_000253.2(MTTP):c.2313T>A(Y771*) is expected to be pathogenic in the context of abetalipoproteinemia. This variant is predicted to lead to an abnormal or absent protein product due to the creation of a premature termination codon in MTTP, a gene where loss-of-function variants are known to be pathogenic. Please note: this variant was assessed in the context of healthy population screening.